The following is an entry in ClinVar:

NM_002230.4(JUP):c.405C>T (p.Asp135=)

Gene: JUP (junction plakoglobin; minus strand). Cytogenetic location: 17q21.2.
Variant type: single nucleotide variant.
Coding change: c.405C>T on transcript NM_002230.4 (MANE Select); coding-DNA position 405, C replaced by T.
Protein change: p.Asp135=; no amino-acid change (aspartic acid 135 retained).
Molecular consequence: synonymous variant.
Genome position (GRCh38, 1-based): chr17:41,769,481, G>A on the plus strand (C>T on the coding strand, the complement: JUP is on the minus strand). VCF-style: chr17-41769481-G-A. GRCh37 (hg19) VCF-style: chr17-39925733-G-A.
Other names: p.Asp135=; c.405C>T, p.Asp135= (NM_001352773.2, NM_001352774.2, NM_001352775.2 and 3 more transcripts); c.405C>T (NM_002230.3).
Identifiers: ClinVar variation 45850 (VCV000045850.32), dbSNP rs17850807, ClinGen allele CA137208.

ClinVar aggregate classification (germline): Benign/Likely benign. Review status: criteria provided, multiple submitters, no conflicts (2 of 4 stars). 14 submissions from 13 submitters: Benign (9); Likely benign (2). 3 of the submissions do not count toward it. Last evaluated 2026-03-27.

Conditions:
Cardiovascular phenotype. Identifiers: MedGen CN230736.
Arrhythmogenic right ventricular dysplasia 12. Also called: ARRHYTHMOGENIC RIGHT VENTRICULAR DYSPLASIA, FAMILIAL, 12. Identifiers: MedGen C1969081, MONDO:0012684, OMIM 611528.
Naxos disease (NXD). Also called: WOOLLY HAIR, PALMOPLANTAR KERATODERMA, AND CARDIAC ABNORMALITIES; KERATOSIS PALMOPLANTARIS WITH ARRHYTHMOGENIC CARDIOMYOPATHY; MAL DE NAXOS; PALMOPLANTAR KERATODERMA WITH ARRHYTHMOGENIC RIGHT VENTRICULAR CARDIOMYOPATHY AND WOOLLY HAIR; CARDIOMYOPATHY, ARRHYTHMOGENIC RIGHT VENTRICULAR, WITH SKIN, HAIR, AND NAIL ABNORMALITIES. Identifiers: Orphanet 34217, MedGen C1832600, MONDO:0011017, OMIM 601214.
Cardiomyopathy (CMYO). Also called: Cardiomyopathies. Identifiers: Orphanet 167848, MedGen C0878544, MONDO:0004994, HP:0001638. Inheritance: Various modes of inheritance.

Allele frequency attached by ClinVar (database versions not stated): 1000 Genomes Project 30x 0.02842; gnomAD exomes 0.00820 and 0.00298; 1000 Genomes Project 0.02716; gnomAD 0.03129 and 0.03356; TOPMed 0.03551; ExAC 0.01127; ESP Exome Variant Server 0.03568.
gnomAD v4.1: 9,311 of 1,613,032 alleles (0.58%); highest among the groups gnomAD compares: African/African-American, 11%; 451 homozygotes.

Submissions (14):

Molecular Diagnostic Laboratory for Inherited Cardiovascular Disease, Montreal Heart Institute
Classification: Benign. Last evaluated: 2026-03-27. Review status: criteria provided, single submitter. Criteria: ACMG Guidelines, 2015. Collection method: clinical testing. Allele origin: germline. Affected: no.

Labcorp Genetics (formerly Invitae), Labcorp
Classification: Benign for Arrhythmogenic right ventricular dysplasia 12; Naxos disease. Last evaluated: 2026-02-04. Review status: criteria provided, single submitter. Criteria: Invitae Variant Classification Sherloc (09022015). Collection method: clinical testing. Allele origin: germline.

Illumina Laboratory Services, Illumina
Classification: Benign for Arrhythmogenic right ventricular dysplasia 12. Last evaluated: 2018-01-13. Review status: criteria provided, single submitter. Criteria: ICSL Variant Classification Criteria 13 December 2019. Collection method: clinical testing. Allele origin: germline.
Comment: This variant was observed in the ICSL laboratory as part of a predisposition screen in an ostensibly healthy population. It had not been previously curated by ICSL or reported in the Human Gene Mutation Database (HGMD: prior to June 1st, 2018), and was therefore a candidate for classification through an automated scoring system. Utilizing variant allele frequency, disease prevalence and penetrance estimates, and inheritance mode, an automated score was calculated to assess if this variant is too frequent to cause the disease. Based on the score and internal cut-off values, a variant classified as benign is not then subjected to further curation. The score for this variant resulted in a classification of benign for this disease.

Illumina Laboratory Services, Illumina
Classification: Likely benign for Naxos disease. Last evaluated: 2018-01-13. Review status: criteria provided, single submitter. Criteria: ICSL Variant Classification Criteria 13 December 2019. Collection method: clinical testing. Allele origin: germline.
Comment: This variant was observed in the ICSL laboratory as part of a predisposition screen in an ostensibly healthy population. It had not been previously curated by ICSL or reported in the Human Gene Mutation Database (HGMD: prior to June 1st, 2018), and was therefore a candidate for classification through an automated scoring system. Utilizing variant allele frequency, disease prevalence and penetrance estimates, and inheritance mode, an automated score was calculated to assess if this variant is too frequent to cause the disease. Based on the score and internal cut-off values, a variant classified as likely benign is not then subjected to further curation. The score for this variant resulted in a classification of likely benign for this disease.

CHEO Genetics Diagnostic Laboratory, Children's Hospital of Eastern Ontario
Classification: Benign for Cardiomyopathy. Last evaluated: 2016-04-06. Review status: criteria provided, single submitter. Criteria: ACMG Guidelines, 2015. Collection method: clinical testing. Allele origin: germline. Study: Canadian Open Genetics Repository.

Mayo Clinic Laboratories, Mayo Clinic
Classification: Benign. Last evaluated: 2016-02-09. Review status: criteria provided, single submitter. Criteria: ACMG Guidelines, 2015. Collection method: clinical testing. Allele origin: germline. Observed: 47 variant alleles.

Ambry Genetics
Classification: Benign for Cardiovascular phenotype. Last evaluated: 2015-06-26. Review status: criteria provided, single submitter. Criteria: Ambry Variant Classification Scheme 2023. Collection method: clinical testing. Allele origin: germline.

GeneDx
Classification: Benign. Last evaluated: 2015-03-03. Review status: criteria provided, single submitter. Criteria: GeneDx Variant Classification Process June 2021. Collection method: clinical testing. Allele origin: germline. Affected: yes.

Laboratory for Molecular Medicine, Mass General Brigham Personalized Medicine
Classification: Benign. Last evaluated: 2012-04-24. Review status: criteria provided, single submitter. Criteria: LMM Criteria. Collection method: clinical testing. Allele origin: germline. Observed: 57 variant alleles.
Comment: Asp135Asp in Exon 3 of JUP: This variant is not expected to have clinical signif icance because it does not alter an amino acid residue and is not located within the splice consensus sequence. It has been identified in 10.2% (380/3736) of Eu ropean American chromosomes from a broad population by the NHLBI Exome Sequencin g Project (rs17850807).

Breakthrough Genomics
Classification: Likely benign. Review status: criteria provided, single submitter. Criteria: ACMG Guidelines, 2015. Collection method: not provided. Allele origin: germline. Inheritance: Autosomal recessive inheritance. Affected: yes.

PreventionGenetics, part of Exact Sciences
Classification: Benign. Review status: criteria provided, single submitter. Criteria: ACMG Guidelines, 2015. Collection method: clinical testing. Allele origin: germline.

Clinical Genetics, Academic Medical Center
Classification: Benign. Review status: no assertion criteria provided. Collection method: clinical testing. Allele origin: germline. Affected: yes. Study: VKGL Data-share Consensus. Not counted in ClinVar's aggregate classification.

Genome Diagnostics Laboratory, University Medical Center Utrecht
Classification: Benign. Review status: no assertion criteria provided. Collection method: clinical testing. Allele origin: germline. Affected: yes. Study: VKGL Data-share Consensus. Not counted in ClinVar's aggregate classification.

Joint Genome Diagnostic Labs from Nijmegen and Maastricht, Radboudumc and MUMC+
Classification: Benign. Review status: no assertion criteria provided. Collection method: clinical testing. Allele origin: germline. Affected: yes. Study: VKGL Data-share Consensus. Not counted in ClinVar's aggregate classification.